The following is an entry in ClinVar:

ClinVar aggregate classification (germline): Uncertain significance (1 of 4 stars; one submission).

Allele frequency attached by ClinVar (database versions not stated): gnomAD exomes below 0.00001; ExAC 0.00001.
gnomAD v4.1: 5 of 1,596,942 alleles (0.00031%); highest among the groups gnomAD compares: Non-Finnish European, 0.00043%; no homozygotes.

Submission:

Labcorp Genetics (formerly Invitae), Labcorp
Classification: Uncertain significance. Last evaluated: 2023-07-10. Review status: criteria provided, single submitter. Criteria: Invitae Variant Classification Sherloc (09022015). Collection method: clinical testing. Allele origin: germline.
Comment: In summary, the available evidence is currently insufficient to determine the role of this variant in disease. Therefore, it has been classified as a Variant of Uncertain Significance. An algorithm developed to predict the effect of missense changes on protein structure and function (PolyPhen-2) suggests that this variant is likely to be disruptive. ClinVar contains an entry for this variant (Variation ID: 1489232). This variant has not been reported in the literature in individuals affected with POLE2-related conditions. This variant is present in population databases (rs759981747, gnomAD 0.0009%). This sequence change replaces glutamic acid, which is acidic and polar, with glutamine, which is neutral and polar, at codon 40 of the POLE2 protein (p.Glu40Gln).

NM_002692.4(POLE2):c.118G>C (p.Glu40Gln)

Gene: POLE2 (DNA polymerase epsilon 2, accessory subunit; minus strand). Cytogenetic location: 14q21.3.
Variant type: single nucleotide variant.
Coding change: c.118G>C on transcript NM_002692.4 (MANE Select); coding-DNA position 118, G replaced by C.
Protein change: p.Glu40Gln; replaces glutamic acid 40 with glutamine.
Molecular consequence: missense variant. On other transcripts: 5 prime UTR variant (1).
Genome position (GRCh38, 1-based): chr14:49,683,644, C>G on the plus strand (G>C on the coding strand, the complement: POLE2 is on the minus strand). VCF-style: chr14-49683644-C-G. GRCh37 (hg19) VCF-style: chr14-50150362-C-G.
Other names: c.118G>C, p.Glu40Gln (NM_001197330.2, NM_001197331.3, NM_001348384.2); c.-118G>C (NM_001348385.2); short protein forms E40Q.
Identifiers: ClinVar variation 1489232 (VCV001489232.8), dbSNP rs759981747, ClinGen allele CA7173740.